The following is an entry in ClinVar:

ClinVar aggregate classification (germline): Uncertain significance. Review status: criteria provided, multiple submitters, no conflicts (2 of 4 stars). 3 submissions from 3 submitters: Uncertain significance (2). 1 of the submissions does not count toward it. Last evaluated 2025-10-31.

Conditions:
Inborn genetic diseases. Identifiers: MedGen C0950123, MeSH D030342.
HK1-related disorder. Also called: HK1-related condition; HK1-related disorders.

Allele frequency attached by ClinVar (database versions not stated): gnomAD exomes 0.00002 and 0.00001; gnomAD 0.00003; TOPMed 0.00003; ExAC 0.00001.
gnomAD v4.1: 15 of 1,614,058 alleles (0.00093%); highest among the groups gnomAD compares: Middle Eastern, 0.033%; no homozygotes.

Submissions (3):

Labcorp Genetics (formerly Invitae), Labcorp
Classification: Uncertain significance. Last evaluated: 2025-10-31. Review status: criteria provided, single submitter. Criteria: Invitae Variant Classification Sherloc (09022015). Collection method: clinical testing. Allele origin: germline.
Comment: This sequence change replaces arginine, which is basic and polar, with tryptophan, which is neutral and slightly polar, at codon 468 of the HK1 protein (p.Arg468Trp). This variant is present in population databases (rs747689299, gnomAD 0.003%). This variant has not been reported in the literature in individuals affected with HK1-related conditions. ClinVar contains an entry for this variant (Variation ID: 1053487). Invitae Evidence Modeling of protein sequence and biophysical properties (such as structural, functional, and spatial information, amino acid conservation, physicochemical variation, residue mobility, and thermodynamic stability) indicates that this missense variant is not expected to disrupt HK1 protein function with a negative predictive value of 80%. In summary, the available evidence is currently insufficient to determine the role of this variant in disease. Therefore, it has been classified as a Variant of Uncertain Significance.

Ambry Genetics
Classification: Uncertain significance for Inborn genetic diseases. Last evaluated: 2025-04-25. Review status: criteria provided, single submitter. Criteria: Ambry Variant Classification Scheme 2023. Collection method: clinical testing. Allele origin: germline.

PreventionGenetics, part of Exact Sciences
Classification: Uncertain significance for HK1-related condition. Last evaluated: 2023-12-01. Review status: no assertion criteria provided. Collection method: clinical testing. Allele origin: germline. Not counted in ClinVar's aggregate classification.
Comment: The HK1 c.1402C>T variant is predicted to result in the amino acid substitution p.Arg468Trp. To our knowledge, this variant has not been reported in the literature. This variant is reported in 0.0033% of alleles in individuals of South Asian descent in gnomAD. At this time, the clinical significance of this variant is uncertain due to the absence of conclusive functional and genetic evidence.

NM_000188.3(HK1):c.1402C>T (p.Arg468Trp)

Gene: HK1 (hexokinase 1; plus strand). Cytogenetic location: 10q22.1.
Variant type: single nucleotide variant.
Coding change: c.1402C>T on transcript NM_000188.3 (MANE Select); coding-DNA position 1402, C replaced by T.
Protein change: p.Arg468Trp; replaces arginine 468 with tryptophan.
Molecular consequence: missense variant.
Genome position (GRCh38, 1-based): chr10:69,382,623, C>T. VCF-style: chr10-69382623-C-T. GRCh37 (hg19) VCF-style: chr10-71142379-C-T.
Other names: c.1402C>T (NM_000188.2); c.1414C>T, p.Arg472Trp (NM_001322364.2, NM_001358263.1, NM_033497.3 and 1 more transcripts); c.1507C>T, p.Arg503Trp (NM_001322365.2); c.1318C>T, p.Arg440Trp (NM_001322366.1); c.1306C>T, p.Arg436Trp (NM_001322367.1); c.1399C>T, p.Arg467Trp (NM_033496.3); c.1366C>T, p.Arg456Trp (NM_033500.2); short protein forms R436W, R440W, R456W, R467W, R468W, R472W, R503W.
Identifiers: ClinVar variation 1053487 (VCV001053487.9), dbSNP rs747689299, ClinGen allele CA5532593.